The following is an entry in ClinVar:

ClinVar aggregate classification (germline): Pathogenic (1 of 4 stars; one submission).

Submission:

Labcorp Genetics (formerly Invitae), Labcorp
Classification: Pathogenic. Last evaluated: 2019-04-06. Review status: criteria provided, single submitter. Criteria: Invitae Variant Classification Sherloc (09022015). Collection method: clinical testing. Allele origin: germline.
Comment: This variant is an out-of-frame deletion of the genomic region encompassing exons 27-33 of the VPS13A gene. This is expected to create a premature translational stop signal and result in an absent or disrupted protein product. This variant has not been reported in the literature in individuals with VPS13A-related conditions. Loss-of-function variants in VPS13A are known to be pathogenic (PMID: 12404112, 21598378). For these reasons, this variant has been classified as Pathogenic.

Literature cited by the submitters: PubMed 12404112; PubMed 21598378.

NC_000009.12:g.(?_77280149)_(77295856_?)del

Gene: VPS13A (vacuolar protein sorting 13 homolog A; plus strand). Cytogenetic location: 9q21.2.
Variant type: Deletion.
Identifiers: ClinVar variation 831900 (VCV000831900.4).